The following is an entry in ClinVar:

ClinVar aggregate classification (germline): Conflicting classifications of pathogenicity. Review status: criteria provided, conflicting classifications (1 of 4 stars). 3 submissions from 3 submitters: Uncertain significance (2); Likely benign (1). Last evaluated 2025-12-07.

Conditions:
Cerebellar dysfunction with variable cognitive and behavioral abnormalities (CECBA). Also called: Nonprogressive cerebellar atxia with intellectual disability. Identifiers: Orphanet 314647, MedGen C3553661, MONDO:0013886, OMIM 614756.

Allele frequency attached by ClinVar (database versions not stated): gnomAD exomes 0.00012; TOPMed 0.00012; ExAC 0.00014; gnomAD 0.00015 and 0.00016; ESP Exome Variant Server 0.00023.
gnomAD v4.1: 573 of 1,613,380 alleles (0.036%); highest among the groups gnomAD compares: Non-Finnish European, 0.046%; no homozygotes.

Submissions (3):

Labcorp Genetics (formerly Invitae), Labcorp
Classification: Uncertain significance. Last evaluated: 2025-12-07. Review status: criteria provided, single submitter. Criteria: Invitae Variant Classification Sherloc (09022015). Collection method: clinical testing. Allele origin: germline.
Comment: This sequence change replaces arginine, which is basic and polar, with glutamine, which is neutral and polar, at codon 520 of the CAMTA1 protein (p.Arg520Gln). This variant is present in population databases (rs138288107, gnomAD 0.03%). This variant has not been reported in the literature in individuals affected with CAMTA1-related conditions. ClinVar contains an entry for this variant (Variation ID: 1031885). Invitae Evidence Modeling of protein sequence and biophysical properties (such as structural, functional, and spatial information, amino acid conservation, physicochemical variation, residue mobility, and thermodynamic stability) indicates that this missense variant is not expected to disrupt CAMTA1 protein function with a negative predictive value of 80%. In summary, the available evidence is currently insufficient to determine the role of this variant in disease. Therefore, it has been classified as a Variant of Uncertain Significance.

CeGaT Center for Human Genetics Tuebingen
Classification: Likely benign. Last evaluated: 2022-07-01. Review status: criteria provided, single submitter. Criteria: CeGaT Center For Human Genetics Tuebingen Variant Classification Criteria Version 2. Collection method: clinical testing. Allele origin: germline. Affected: yes. Observed: 1 variant allele.
Comment: CAMTA1: PP2, BP4, BS2

Baylor Genetics
Classification: Uncertain significance for Cerebellar dysfunction with variable cognitive and behavioral abnormalities. Last evaluated: 2018-09-27. Review status: criteria provided, single submitter. Criteria: ACMG Guidelines, 2015. Collection method: clinical testing. Allele origin: unknown. Affected: yes.
Comment: This variant was determined to be of uncertain significance according to ACMG Guidelines, 2015 [PMID:25741868].

NM_015215.4(CAMTA1):c.1559G>A (p.Arg520Gln)

Gene: CAMTA1 (calmodulin binding transcription activator 1; plus strand). Cytogenetic location: 1p36.23.
Variant type: single nucleotide variant.
Coding change: c.1559G>A on transcript NM_015215.4 (MANE Select); coding-DNA position 1559, G replaced by A.
Protein change: p.Arg520Gln; replaces arginine 520 with glutamine.
Molecular consequence: missense variant.
Genome position (GRCh38, 1-based): chr1:7,664,106, G>A. VCF-style: chr1-7664106-G-A. GRCh37 (hg19) VCF-style: chr1-7724166-G-A.
Other names: c.1469G>A, p.Arg490Gln (NM_001349608.2, NM_001349612.2); c.1559G>A, p.Arg520Gln (NM_001349609.2, NM_001349610.2); short protein forms R490Q, R520Q.
Identifiers: ClinVar variation 1031885 (VCV001031885.30), dbSNP rs138288107, ClinGen allele CA566466.
Genomic context (GRCh38, chr1:7,664,106, plus strand): 5'-GTGGAGGCCTGAAAGCCGAGATGGTCAGCTCCAACATCCGGCACTCGCCACCCGGGGAGC[G>A]GAGCTTCAGCTTTACCACCGTCCTCACCAAGGAGATCAAGACCGAGGACACCTCCTTCGA-3'
Protein context (NP_056030.1, residues 510-530): SNIRHSPPGE[Arg520Gln]SFSFTTVLTK